The following is an entry in ClinVar:

NM_014727.3(KMT2B):c.2078C>T (p.Pro693Leu)

Gene: KMT2B (lysine methyltransferase 2B; plus strand). Cytogenetic location: 19q13.12.
Variant type: single nucleotide variant.
Coding change: c.2078C>T on transcript NM_014727.3 (MANE Select); coding-DNA position 2078, C replaced by T.
Protein change: p.Pro693Leu; replaces proline 693 with leucine.
Molecular consequence: missense variant.
Genome position (GRCh38, 1-based): chr19:35,721,425, C>T. VCF-style: chr19-35721425-C-T. GRCh37 (hg19) VCF-style: chr19-36212327-C-T.
Other names: short protein forms P693L.
Identifiers: ClinVar variation 2811170 (VCV002811170.3), dbSNP rs868348247, ClinGen allele CA405395954.

ClinVar aggregate classification (germline): Uncertain significance (1 of 4 stars; one submission).

Allele frequency attached by ClinVar (database versions not stated): gnomAD exomes below 0.00001; TOPMed below 0.00001.

Submission:

Labcorp Genetics (formerly Invitae), Labcorp
Classification: Uncertain significance. Last evaluated: 2022-11-01. Review status: criteria provided, single submitter. Criteria: Invitae Variant Classification Sherloc (09022015). Collection method: clinical testing. Allele origin: germline.
Comment: This sequence change replaces proline, which is neutral and non-polar, with leucine, which is neutral and non-polar, at codon 693 of the KMT2B protein (p.Pro693Leu). This variant is not present in population databases (gnomAD no frequency). This variant has not been reported in the literature in individuals affected with KMT2B-related conditions. Advanced modeling of protein sequence and biophysical properties (such as structural, functional, and spatial information, amino acid conservation, physicochemical variation, residue mobility, and thermodynamic stability) performed at Invitae indicates that this missense variant is not expected to disrupt KMT2B protein function. In summary, the available evidence is currently insufficient to determine the role of this variant in disease. Therefore, it has been classified as a Variant of Uncertain Significance.